The following is an entry in ClinVar:

NM_020461.4(TUBGCP6):c.4767G>T (p.Glu1589Asp)

Gene: TUBGCP6 (tubulin gamma complex component 6; minus strand). Cytogenetic location: 22q13.33.
Variant type: single nucleotide variant.
Coding change: c.4767G>T on transcript NM_020461.4 (MANE Select); coding-DNA position 4767, G replaced by T.
Protein change: p.Glu1589Asp; replaces glutamic acid 1589 with aspartic acid.
Molecular consequence: missense variant.
Genome position (GRCh38, 1-based): chr22:50,218,757, C>A on the plus strand (G>T on the coding strand, the complement: TUBGCP6 is on the minus strand). VCF-style: chr22-50218757-C-A. GRCh37 (hg19) VCF-style: chr22-50657186-C-A.
Other names: short protein forms E1589D.
Identifiers: ClinVar variation 2859959 (VCV002859959.3), dbSNP rs752154749, ClinGen allele CA10307349.

ClinVar aggregate classification (germline): Uncertain significance (1 of 4 stars; one submission).

Allele frequency attached by ClinVar (database versions not stated): gnomAD exomes below 0.00001; ExAC 0.00001.
gnomAD v4.1: 6 of 1,614,066 alleles (0.00037%); highest among the groups gnomAD compares: South Asian, 0.0066%; no homozygotes.

Submission:

Labcorp Genetics (formerly Invitae), Labcorp
Classification: Uncertain significance. Last evaluated: 2023-10-04. Review status: criteria provided, single submitter. Criteria: Invitae Variant Classification Sherloc (09022015). Collection method: clinical testing. Allele origin: germline.
Comment: This sequence change replaces glutamic acid, which is acidic and polar, with aspartic acid, which is acidic and polar, at codon 1589 of the TUBGCP6 protein (p.Glu1589Asp). This variant is present in population databases (rs752154749, gnomAD 0.003%). This variant has not been reported in the literature in individuals affected with TUBGCP6-related conditions. An algorithm developed to predict the effect of missense changes on protein structure and function (PolyPhen-2) suggests that this variant is likely to be disruptive. In summary, the available evidence is currently insufficient to determine the role of this variant in disease. Therefore, it has been classified as a Variant of Uncertain Significance.